The following is an entry in ClinVar:

NM_004614.5(TK2):c.469G>A (p.Asp157Asn)

Gene: TK2 (thymidine kinase 2; minus strand). Cytogenetic location: 16q21.
Variant type: single nucleotide variant.
Coding change: c.469G>A on transcript NM_004614.5 (MANE Select); coding-DNA position 469, G replaced by A.
Protein change: p.Asp157Asn; replaces aspartic acid 157 with asparagine.
Molecular consequence: missense variant. On other transcripts: non-coding transcript variant (1), intron variant (1).
Genome position (GRCh38, 1-based): chr16:66,517,858, C>T on the plus strand (G>A on the coding strand, the complement: TK2 is on the minus strand). VCF-style: chr16-66517858-C-T. GRCh37 (hg19) VCF-style: chr16-66551761-C-T.
Other names: p.D157N:GAC>AAC; c.376G>A, p.Asp126Asn (NM_001172643.1); c.394G>A, p.Asp132Asn (NM_001172644.2); c.415G>A, p.Asp139Asn (NM_001172645.2); c.322G>A, p.Asp108Asn (NM_001271934.2); c.178G>A, p.Asp60Asn (NM_001272050.2); c.357-4047G>A (NM_001271935.1); short protein forms D157N, D139N, D60N, D108N, D132N, D126N.
Identifiers: ClinVar variation 215267 (VCV000215267.2), dbSNP rs374777494, ClinGen allele CA324487.

ClinVar aggregate classification (germline): Likely pathogenic (1 of 4 stars; one submission).

Allele frequency attached by ClinVar (database versions not stated): TOPMed 0.00003.
gnomAD v4.1: 8 of 1,614,048 alleles (0.0005%); highest among the groups gnomAD compares: African/African-American, 0.0013%; no homozygotes.

Submission:

GeneDx
Classification: Likely pathogenic. Last evaluated: 2014-03-03. Review status: criteria provided, single submitter. Criteria: GeneDx Variant Classification (06012015). Collection method: clinical testing. Allele origin: germline. Affected: yes.
Comment: p.Asp157Asn (GAC>AAC): c.469 G>A in exon 7 of the TK2 gene (NM_004614.4) A D157N variant that is likely pathogenic was identified in the TK2 gene. It has not been published as a mutation, nor has it been reported as a benign polymorphism to our knowledge. The D157N variant is a non-conservative amino acid substitution, which is likely to impact secondary protein structure as these residues differ in polarity, charge, size and/or other properties. This substitution occurs at a position that is conserved across species. In silico analysis predicts this variant is probably damaging to the protein structure/function. Therefore, this variant is a strong candidate for a pathogenic mutation, however the possibility that it is a benign variant cannot be excluded. The variant is found in MITONUC-MITOP panel(s).